The following is an entry in ClinVar:

NM_020822.3(KCNT1):c.2206_2211del (p.Val736_Thr737del)

Gene: KCNT1 (potassium sodium-activated channel subfamily T member 1; plus strand). Cytogenetic location: 9q34.3.
Variant type: Deletion.
Coding change: c.2206_2211del on transcript NM_020822.3 (MANE Select); coding-DNA positions 2206 to 2211, 6 bases deleted (GTGACG; older notation c.2206_2211delGTGACG).
Protein change: p.Val736_Thr737del.
Molecular consequence: inframe deletion.
Genome position (GRCh38, 1-based): chr9:135,772,912-135,772,917, GTGACG deleted; deleting any 6 consecutive bases within chr9:135,772,911-135,772,917 gives the same sequence; the c. name uses the placement nearest the transcript's 3' end. VCF-style (leftmost placement, unchanged base first): chr9-135772910-AGGTGAC-A. GRCh37 (hg19) VCF-style: chr9-138664756-AGGTGAC-A.
Other names: c.2071_2076del, p.Val691_Thr692del (NM_001272003.2).
Identifiers: ClinVar variation 953691 (VCV000953691.7), dbSNP rs781600347, ClinGen allele CA5327207.

ClinVar aggregate classification (germline): Uncertain significance (1 of 4 stars; one submission).

Conditions:
Autosomal dominant nocturnal frontal lobe epilepsy 5. Also called: Epilepsy, nocturnal frontal lobe, 5; CILIARY DYSKINESIA, PRIMARY, 28, WITH SITUS INVERSUS; KCNT1-Related Epilepsy; CILIARY DYSKINESIA, PRIMARY, 28, WITHOUT SITUS INVERSUS. Identifiers: Orphanet 98784, MedGen C3554306, MONDO:0014002, OMIM 615005.
Developmental and epileptic encephalopathy, 14 (DEE14). Also called: Early infantile epileptic encephalopathy 14. Identifiers: Orphanet 293181, MedGen C3554195, MONDO:0013989, OMIM 614959.

Submission:

Labcorp Genetics (formerly Invitae), Labcorp
Classification: Uncertain significance for Autosomal dominant nocturnal frontal lobe epilepsy 5; Developmental and epileptic encephalopathy, 14. Last evaluated: 2025-07-23. Review status: criteria provided, single submitter. Criteria: Invitae Variant Classification Sherloc (09022015). Collection method: clinical testing. Allele origin: germline.
Comment: This variant, c.2206_2211del, results in the deletion of 2 amino acid(s) of the KCNT1 protein (p.Val736_Thr737del), but otherwise preserves the integrity of the reading frame. This variant is present in population databases (rs781600347, gnomAD 0.02%). This variant has been observed in individuals with clinical features of developmental and epileptic encephalopathy (internal data). ClinVar contains an entry for this variant (Variation ID: 953691). Experimental studies and prediction algorithms are not available or were not evaluated, and the functional significance of this variant is currently unknown. In summary, the available evidence is currently insufficient to determine the role of this variant in disease. Therefore, it has been classified as a Variant of Uncertain Significance.